The following is an entry in ClinVar:

NM_152564.5(VPS13B):c.10401del (p.Glu3468fs)

Gene: VPS13B (vacuolar protein sorting 13 homolog B; plus strand). Cytogenetic location: 8q22.2.
Variant type: Deletion.
Coding change: c.10401del on transcript NM_152564.5 (MANE Select); coding-DNA position 10401, one base deleted (A; older notation c.10401delA).
Protein change: p.Glu3468fs; shifts the reading frame from glutamic acid 3468.
Molecular consequence: frameshift variant.
Genome position (GRCh38, 1-based): chr8:99,853,790, A deleted; the last of 3 consecutive A bases (chr8:99,853,788-99,853,790); deleting any one gives the same sequence. VCF-style (leftmost placement, unchanged base first): chr8-99853787-CA-C. GRCh37 (hg19) VCF-style: chr8-100866015-CA-C.
Other names: c.10476del, p.Glu3493fs (NM_017890.5); short protein forms E3493fs, E3468fs.
Identifiers: ClinVar variation 3645074 (VCV003645074.2).
Genomic context (GRCh38, chr8:99,853,787, plus strand): 5'-CCAGGGAGAAAAAGCAGAACCCATTCAGTGTTCCAAAATGCAGAGTCTCCTCATATCCAA[CA>C]AAGAGTTGGAAGAATACAAGGAAAAATGTTTTATCAAACTTTGCATCACCTTAAATGAAG-3'

ClinVar aggregate classification (germline): Pathogenic (1 of 4 stars; one submission).

Conditions:
Cohen syndrome (COH1). Also called: PEPPER SYNDROME; Cutis verticis gyrata, retinitis pigmentosa, and sensorineural deafness. Identifiers: Orphanet 193, MedGen C0265223, MONDO:0008999, OMIM 216550.

Submission:

Labcorp Genetics (formerly Invitae), Labcorp
Classification: Pathogenic for Cohen syndrome. Last evaluated: 2024-03-07. Review status: criteria provided, single submitter. Criteria: Invitae Variant Classification Sherloc (09022015). Collection method: clinical testing. Allele origin: germline.
Comment: This sequence change creates a premature translational stop signal (p.Glu3493Serfs*17) in the VPS13B gene. It is expected to result in an absent or disrupted protein product. Loss-of-function variants in VPS13B are known to be pathogenic (PMID: 15141358, 16648375, 20461111). This variant is not present in population databases (gnomAD no frequency). This variant has not been reported in the literature in individuals affected with VPS13B-related conditions. For these reasons, this variant has been classified as Pathogenic.

Literature cited by the submitters: PubMed 15141358; PubMed 16648375; PubMed 20461111.